The following is an entry in ClinVar:

NM_000501.4(ELN):c.2077C>T (p.Pro693Ser)

Gene: ELN (elastin; plus strand). Cytogenetic location: 7q11.23.
Variant type: single nucleotide variant.
Coding change: c.2077C>T on transcript NM_000501.4 (MANE Select); coding-DNA position 2077, C replaced by T.
Protein change: p.Pro693Ser; replaces proline 693 with serine.
Molecular consequence: missense variant. On other transcripts: intron variant (6).
Genome position (GRCh38, 1-based): chr7:74,065,988, C>T. VCF-style: chr7-74065988-C-T. GRCh37 (hg19) VCF-style: chr7-73480318-C-T.
Other names: c.2077C>T (NM_000501.2); c.2020C>T, p.Pro674Ser (NM_001081755.3); c.1834C>T, p.Pro612Ser (NM_001278913.2); c.2005C>T, p.Pro669Ser (NM_001278914.2); c.2095C>T, p.Pro699Ser (NM_001278915.2); c.2047C>T, p.Pro683Ser (NM_001278917.2); c.2263C>T, p.Pro755Ser (NM_001278939.2); c.2047+256C>T (NM_001081754.3); and 5 more; short protein forms P693S, P612S, P669S, P674S, P683S, P699S, P755S.
Identifiers: ClinVar variation 360661 (VCV000360661.14), dbSNP rs369804770, ClinGen allele CA4293372.

ClinVar aggregate classification (germline): Conflicting classifications of pathogenicity. Review status: criteria provided, conflicting classifications (1 of 4 stars). 7 submissions from 6 submitters: Uncertain significance (4); Benign (1); Likely benign (2). Last evaluated 2025-10-10.

Conditions:
Cutis laxa, autosomal dominant 1 (ADCL1). Also called: ELN-Related Cutis Laxa. Identifiers: Orphanet 90348, MedGen C3276539, MONDO:0007411, OMIM 123700. Disease mechanism: Dominant Negative.
Inborn genetic diseases. Identifiers: MedGen C0950123, MeSH D030342.
Supravalvar aortic stenosis (SVAS). Also called: Supravalvar aortic stenosis, Eisenberg type. Identifiers: Orphanet 3193, MedGen C0003499, MONDO:0008504, OMIM 185500, HP:0004381.

Allele frequency attached by ClinVar (database versions not stated): gnomAD exomes below 0.00001 and 0.00003; ExAC 0.00002; gnomAD 0.00003 and 0.00004; TOPMed 0.00004.
gnomAD v4.1: 32 of 1,613,960 alleles (0.002%); highest among the groups gnomAD compares: East Asian, 0.018%; no homozygotes.

Submissions (7):

Labcorp Genetics (formerly Invitae), Labcorp
Classification: Uncertain significance for Supravalvar aortic stenosis. Last evaluated: 2025-10-10. Review status: criteria provided, single submitter. Criteria: Invitae Variant Classification Sherloc (09022015). Collection method: clinical testing. Allele origin: germline.
Comment: This sequence change replaces proline, which is neutral and non-polar, with serine, which is neutral and polar, at codon 755 of the ELN protein (p.Pro755Ser). This variant is present in population databases (rs369804770, gnomAD 0.04%). This variant has not been reported in the literature in individuals affected with ELN-related conditions. ClinVar contains an entry for this variant (Variation ID: 360661). Invitae Evidence Modeling of protein sequence and biophysical properties (such as structural, functional, and spatial information, amino acid conservation, physicochemical variation, residue mobility, and thermodynamic stability) indicates that this missense variant is not expected to disrupt ELN protein function with a negative predictive value of 80%. In summary, the available evidence is currently insufficient to determine the role of this variant in disease. Therefore, it has been classified as a Variant of Uncertain Significance.

Ambry Genetics
Classification: Uncertain significance for Inborn genetic diseases. Last evaluated: 2024-11-23. Review status: criteria provided, single submitter. Criteria: Ambry Variant Classification Scheme 2023. Collection method: clinical testing. Allele origin: germline.

GeneDx
Classification: Uncertain significance. Last evaluated: 2024-06-20. Review status: criteria provided, single submitter. Criteria: GeneDx Variant Classification Process June 2021. Collection method: clinical testing. Allele origin: germline. Affected: yes.
Comment: Has not been previously published as pathogenic or benign to our knowledge; In silico analysis indicates that this missense variant does not alter protein structure/function

Blueprint Genetics
Classification: Likely benign. Last evaluated: 2024-04-08. Review status: criteria provided, single submitter. Criteria: ACMG Guidelines, 2015. Collection method: clinical testing. Allele origin: germline.

Illumina Laboratory Services, Illumina
Classification: Benign for Cutis laxa, autosomal dominant 1. Last evaluated: 2018-01-12. Review status: criteria provided, single submitter. Criteria: ICSL Variant Classification Criteria 13 December 2019. Collection method: clinical testing. Allele origin: germline.
Comment: This variant was observed in the ICSL laboratory as part of a predisposition screen in an ostensibly healthy population. It had not been previously curated by ICSL or reported in the Human Gene Mutation Database (HGMD: prior to June 1st, 2018), and was therefore a candidate for classification through an automated scoring system. Utilizing variant allele frequency, disease prevalence and penetrance estimates, and inheritance mode, an automated score was calculated to assess if this variant is too frequent to cause the disease. Based on the score and internal cut-off values, a variant classified as benign is not then subjected to further curation. The score for this variant resulted in a classification of benign for this disease.

Illumina Laboratory Services, Illumina
Classification: Likely benign for Supravalvar aortic stenosis. Last evaluated: 2018-01-12. Review status: criteria provided, single submitter. Criteria: ICSL Variant Classification Criteria 13 December 2019. Collection method: clinical testing. Allele origin: germline.
Comment: This variant was observed in the ICSL laboratory as part of a predisposition screen in an ostensibly healthy population. It had not been previously curated by ICSL or reported in the Human Gene Mutation Database (HGMD: prior to June 1st, 2018), and was therefore a candidate for classification through an automated scoring system. Utilizing variant allele frequency, disease prevalence and penetrance estimates, and inheritance mode, an automated score was calculated to assess if this variant is too frequent to cause the disease. Based on the score and internal cut-off values, a variant classified as likely benign is not then subjected to further curation. The score for this variant resulted in a classification of likely benign for this disease.

Center for Pediatric Genomic Medicine, Children's Mercy Hospital and Clinics
Classification: Uncertain significance. Last evaluated: 2016-10-13. Review status: criteria provided, single submitter. Criteria: ACMG Guidelines, 2015. Collection method: clinical testing. Allele origin: germline.
ClinVar note: Converted during submission from Uncertain Significance to Uncertain significance.